The following is an entry in ClinVar:

ClinVar aggregate classification (germline): Uncertain significance (1 of 4 stars; one submission).

Allele frequency attached by ClinVar (database versions not stated): gnomAD 0.00001.
gnomAD v4.1: 4 of 1,551,174 alleles (0.00026%); highest among the groups gnomAD compares: Non-Finnish European, 0.00035%; no homozygotes.

Submission:

Labcorp Genetics (formerly Invitae), Labcorp
Classification: Uncertain significance. Last evaluated: 2021-11-11. Review status: criteria provided, single submitter. Criteria: Invitae Variant Classification Sherloc (09022015). Collection method: clinical testing. Allele origin: germline.
Comment: In summary, the available evidence is currently insufficient to determine the role of this variant in disease. Therefore, it has been classified as a Variant of Uncertain Significance. Algorithms developed to predict the effect of missense changes on protein structure and function are either unavailable or do not agree on the potential impact of this missense change (SIFT: "Not Available"; PolyPhen-2: "Probably Damaging"; Align-GVGD: "Not Available"). This variant has not been reported in the literature in individuals affected with UNC80-related conditions. This variant is present in population databases (no rsID available, gnomAD 0.007%). This sequence change replaces leucine, which is neutral and non-polar, with valine, which is neutral and non-polar, at codon 2802 of the UNC80 protein (p.Leu2802Val).

NM_001371986.1(UNC80):c.8602C>G (p.Leu2868Val)

Gene: UNC80 (unc-80 homolog, NALCN channel complex subunit; plus strand). Cytogenetic location: 2q34.
Variant type: single nucleotide variant.
Coding change: c.8602C>G on transcript NM_001371986.1 (MANE Select); coding-DNA position 8602, C replaced by G.
Protein change: p.Leu2868Val; replaces leucine 2868 with valine.
Molecular consequence: missense variant.
Genome position (GRCh38, 1-based): chr2:209,976,133, C>G. VCF-style: chr2-209976133-C-G. GRCh37 (hg19) VCF-style: chr2-210840857-C-G.
Other names: c.8404C>G, p.Leu2802Val (NM_032504.2); c.8389C>G, p.Leu2797Val (NM_182587.4); short protein forms L2802V, L2868V, L2797V.
Identifiers: ClinVar variation 1489917 (VCV001489917.4), dbSNP rs1227642683, ClinGen allele CA350413600.